The following is an entry in ClinVar:

NM_001040108.2(MLH3):c.3617C>T (p.Thr1206Ile)

Gene: MLH3 (mutL homolog 3; minus strand). Cytogenetic location: 14q24.3.
Variant type: single nucleotide variant.
Coding change: c.3617C>T on transcript NM_001040108.2 (MANE Select); coding-DNA position 3617, C replaced by T.
Protein change: p.Thr1206Ile; replaces threonine 1206 with isoleucine.
Molecular consequence: missense variant.
Genome position (GRCh38, 1-based): chr14:75,038,366, G>A on the plus strand (C>T on the coding strand, the complement: MLH3 is on the minus strand). VCF-style: chr14-75038366-G-A. GRCh37 (hg19) VCF-style: chr14-75505069-G-A.
Other names: c.3617C>T, p.Thr1206Ile (NM_014381.3); short protein forms T1206I.
Identifiers: ClinVar variation 4860149 (VCV004860149.1).
Genomic context (GRCh38, chr14:75,038,366, plus strand): 5'-CTGGTTAATCATTCAGGCTAAACTCCATTCTTACCTGCCTCGCCATTCTCTTCAGTCTTA[G>A]TGCTCATCAAACAGGCAATAAACTTGTTATCTACTTGCTGGAGAACCTGTCAGACATTCA-3'
Protein context (NP_001035197.1, residues 1196-1216): DNKFIACLMS[Thr1206Ile]KTEENGEAGG

ClinVar aggregate classification (germline): Uncertain significance (1 of 4 stars; one submission).

Submission:

Ambry Genetics
Classification: Uncertain significance. Last evaluated: 2026-06-09. Review status: criteria provided, single submitter. Criteria: Ambry Variant Classification Scheme 2023. Collection method: clinical testing. Allele origin: germline.
Comment: The p.T1206I variant (also known as c.3617C>T), located in coding exon 5 of the MLH3 gene, results from a C to T substitution at nucleotide position 3617. The threonine at codon 1206 is replaced by isoleucine, an amino acid with similar properties. This amino acid position is highly conserved in available vertebrate species. In addition, this alteration is predicted to be deleterious by in silico analysis. Based on the available evidence, the clinical significance of this variant remains unclear.